The following is an entry in ClinVar:

ClinVar aggregate classification (germline): Uncertain significance. Review status: criteria provided, multiple submitters, no conflicts (2 of 4 stars). 2 submissions from 2 submitters: Uncertain significance (2). Last evaluated 2025-11-24.

gnomAD v4.1: 5 of 1,614,042 alleles (0.00031%); highest among the groups gnomAD compares: African/African-American, 0.0013%; no homozygotes.

Submissions (2):

Labcorp Genetics (formerly Invitae), Labcorp
Classification: Uncertain significance. Last evaluated: 2025-11-24. Review status: criteria provided, single submitter. Criteria: Invitae Variant Classification Sherloc (09022015). Collection method: clinical testing. Allele origin: germline.
Comment: This sequence change replaces valine, which is neutral and non-polar, with methionine, which is neutral and non-polar, at codon 416 of the RP1 protein (p.Val416Met). This variant is not present in population databases (gnomAD no frequency). This variant has not been reported in the literature in individuals affected with RP1-related conditions. ClinVar contains an entry for this variant (Variation ID: 3632860). An algorithm developed to predict the effect of missense changes on protein structure and function (PolyPhen-2) suggests that this variant is likely to be tolerated. In summary, the available evidence is currently insufficient to determine the role of this variant in disease. Therefore, it has been classified as a Variant of Uncertain Significance.

GeneDx
Classification: Uncertain significance. Last evaluated: 2025-06-10. Review status: criteria provided, single submitter. Criteria: GeneDx Variant Classification Process June 2021. Collection method: clinical testing. Allele origin: germline. Affected: yes.
Comment: Not observed at significant frequency in large population cohorts (gnomAD); In silico analysis suggests that this missense variant does not alter protein structure/function; Has not been previously published as pathogenic or benign to our knowledge

NM_006269.2(RP1):c.1246G>A (p.Val416Met)

Gene: RP1 (RP1 axonemal microtubule associated; plus strand). Cytogenetic location: 8q12.1.
Variant type: single nucleotide variant.
Coding change: c.1246G>A on transcript NM_006269.2 (MANE Select); coding-DNA position 1246, G replaced by A.
Protein change: p.Val416Met; replaces valine 416 with methionine.
Molecular consequence: missense variant. On other transcripts: intron variant (1).
Genome position (GRCh38, 1-based): chr8:54,625,128, G>A. VCF-style: chr8-54625128-G-A. GRCh37 (hg19) VCF-style: chr8-55537688-G-A.
Other names: c.787+2840G>A (NM_001375654.1); c.1246G>A (NM_006269.1); short protein forms V416M.
Identifiers: ClinVar variation 3632860 (VCV003632860.3).